The following is an entry in ClinVar:

NM_001164508.2(NEB):c.3148-3C>A

Gene: NEB (nebulin; minus strand). Cytogenetic location: 2q23.3.
Variant type: single nucleotide variant.
Coding change: c.3148-3C>A on transcript NM_001164508.2 (MANE Select); 3 bases into the intron before coding-DNA position 3148, C replaced by A.
Molecular consequence: intron variant.
Genome position (GRCh38, 1-based): chr2:151,679,831, G>T on the plus strand (C>A on the coding strand, the complement: NEB is on the minus strand). VCF-style: chr2-151679831-G-T. GRCh37 (hg19) VCF-style: chr2-152536345-G-T.
Other names: c.3148-3C>A (NM_004543.5, NM_001164507.2, NM_001271208.2).
Identifiers: ClinVar variation 2787741 (VCV002787741.3), dbSNP rs2552263464, ClinGen allele CA2739271268.

ClinVar aggregate classification (germline): Uncertain significance (1 of 4 stars; one submission).

Conditions:
Nemaline myopathy 2 (NEM2). Also called: Nemaline myopathy 2, autosomal recessive. Identifiers: MedGen C1850569, MONDO:0009725, OMIM 256030.

Submission:

Labcorp Genetics (formerly Invitae), Labcorp
Classification: Uncertain significance for Nemaline myopathy 2. Last evaluated: 2023-01-25. Review status: criteria provided, single submitter. Criteria: Invitae Variant Classification Sherloc (09022015). Collection method: clinical testing. Allele origin: germline.
Comment: This variant is not present in population databases (gnomAD no frequency). In summary, the available evidence is currently insufficient to determine the role of this variant in disease. Therefore, it has been classified as a Variant of Uncertain Significance. Variants that disrupt the consensus splice site are a relatively common cause of aberrant splicing (PMID: 17576681, 9536098). Algorithms developed to predict the effect of sequence changes on RNA splicing suggest that this variant is not likely to affect RNA splicing. This variant has not been reported in the literature in individuals affected with NEB-related conditions. This sequence change falls in intron 31 of the NEB gene. It does not directly change the encoded amino acid sequence of the NEB protein. It affects a nucleotide within the consensus splice site.

Literature cited by the submitters: PubMed 17576681; PubMed 9536098.